The following is an entry in ClinVar:

ClinVar aggregate classification (germline): Conflicting classifications of pathogenicity. Review status: criteria provided, conflicting classifications (1 of 4 stars). 9 submissions from 9 submitters: Uncertain significance (6); Likely benign (2). 1 of the submissions does not count toward it. Last evaluated 2026-01-07.

Conditions:
Gorlin syndrome. Also called: Nevoid Basal Cell Carcinoma Syndrome; Basal cell nevus syndrome. Identifiers: Orphanet 377, MedGen C0004779, MONDO:0007187.
Medulloblastoma (MDB). Also called: MEDULLOBLASTOMA PREDISPOSITION SYNDROME; Medulloblastoma, somatic. Identifiers: Orphanet 616, MedGen C0025149, MeSH D008527, MONDO:0007959, OMIM 155255, HP:0002885.
Familial meningioma. Also called: Meningioma, familial, susceptibility to. Identifiers: Orphanet 263662, MedGen C3551915, MONDO:0011789, OMIM 607174.
Joubert syndrome 32 (JBTS32). Identifiers: MedGen C4540342, MONDO:0033309, OMIM 617757.
Hereditary cancer-predisposing syndrome. Also called: Tumor predisposition; Hereditary neoplastic syndrome; Neoplastic Syndromes, Hereditary; Hereditary Cancer Syndrome. Identifiers: Orphanet 140162, MedGen C0027672, MeSH D009386, MONDO:0015356.

Allele frequency attached by ClinVar (database versions not stated): ExAC 0.00006; gnomAD 0.00008 and 0.00009; gnomAD exomes 0.00008 and 0.00004; TOPMed 0.00009; ESP Exome Variant Server 0.00015.
gnomAD v4.1: 123 of 1,614,034 alleles (0.0076%); highest among the groups gnomAD compares: Non-Finnish European, 0.01%; no homozygotes.

Submissions (9):

Labcorp Genetics (formerly Invitae), Labcorp
Classification: Likely benign for Gorlin syndrome; Medulloblastoma. Last evaluated: 2026-01-07. Review status: criteria provided, single submitter. Criteria: Invitae Variant Classification Sherloc (09022015). Collection method: clinical testing. Allele origin: germline.

Center for Genomic Medicine, Rigshospitalet, Copenhagen University Hospital
Classification: Uncertain significance. Last evaluated: 2025-12-29. Review status: criteria provided, single submitter. Criteria: ACMG Guidelines, 2015. Collection method: clinical testing. Allele origin: germline.

Quest Diagnostics Nichols Institute San Juan Capistrano
Classification: Uncertain significance. Last evaluated: 2024-10-15. Review status: criteria provided, single submitter. Criteria: Quest Diagnostics criteria. Collection method: clinical testing. Allele origin: unknown.
Comment: The SUFU c.1045A>G (p.Ser349Gly) variant has been observed in a reportedly healthy individual (PMID: 24728327 (2014)). The frequency of this variant in the general population, 0.000085 (11/129172 chromosomes in European (Non-Finnish) subpopulation (Genome Aggregation Database)), is higher than would generally be expected for pathogenic variants in this gene. Analysis of this variant using bioinformatics tools for the prediction of the effect of amino acid changes on protein structure and function yielded conflicting predictions that this variant is deleterious or benign. Based on the available information, we are unable to determine the clinical significance of this variant.

Baylor Genetics
Classification: Uncertain significance for Familial meningioma. Last evaluated: 2024-03-15. Review status: criteria provided, single submitter. Criteria: ACMG Guidelines, 2015. Collection method: clinical testing. Allele origin: unknown.

Ambry Genetics
Classification: Likely benign for Hereditary cancer-predisposing syndrome. Last evaluated: 2023-02-23. Review status: criteria provided, single submitter. Criteria: Ambry Variant Classification Scheme 2023. Collection method: clinical testing. Allele origin: germline.

GeneDx
Classification: Uncertain significance. Last evaluated: 2022-05-17. Review status: criteria provided, single submitter. Criteria: GeneDx Variant Classification Process June 2021. Collection method: clinical testing. Allele origin: germline. Affected: yes.
Comment: In silico analysis supports that this missense variant does not alter protein structure/function; Identified in healthy individuals undergoing whole genome sequencing (Bodian 2014); This variant is associated with the following publications: (PMID: 24311597, 24728327)

Fulgent Genetics
Classification: Uncertain significance for Basal cell nevus syndrome 1; Medulloblastoma; Familial meningioma; Joubert syndrome 32. Last evaluated: 2018-10-31. Review status: criteria provided, single submitter. Criteria: ACMG Guidelines, 2015. Collection method: clinical testing. Allele origin: unknown.

Eurofins Ntd Llc (ga)
Classification: Uncertain significance. Last evaluated: 2016-10-24. Review status: criteria provided, single submitter. Criteria: EGL Classification Definitions 2015. Collection method: clinical testing. Allele origin: germline. Observed: 2 variant alleles, 2 heterozygotes.

ITMI
No classification provided. Condition: AllHighlyPenetrant. Last evaluated: 2013-09-19. Review status: no classification provided. Collection method: reference population. Allele origin: germline. Not counted in ClinVar's aggregate classification.
Comment: Please see associated publication for description of ethnicities

Literature cited by the submitters: PubMed 24728327 (cited by Quest Diagnostics Nichols Institute San Juan Capistrano and ITMI).

NM_016169.4(SUFU):c.1045A>G (p.Ser349Gly)

Gene: SUFU (SUFU negative regulator of hedgehog signaling; plus strand). Cytogenetic location: 10q24.32.
Variant type: single nucleotide variant.
Coding change: c.1045A>G on transcript NM_016169.4 (MANE Select); coding-DNA position 1045, A replaced by G.
Protein change: p.Ser349Gly; replaces serine 349 with glycine.
Molecular consequence: missense variant.
Genome position (GRCh38, 1-based): chr10:102,615,290, A>G. VCF-style: chr10-102615290-A-G. GRCh37 (hg19) VCF-style: chr10-104375047-A-G.
Other names: c.1045A>G, p.Ser349Gly (NM_001178133.2); short protein forms S349G.
Identifiers: ClinVar variation 135283 (VCV000135283.24), dbSNP rs368178771, ClinGen allele CA162216.